The following is an entry in ClinVar:

ClinVar aggregate classification (germline): Pathogenic. Review status: criteria provided, multiple submitters, no conflicts (2 of 4 stars). 2 submissions from 2 submitters: Pathogenic (2). Last evaluated 2024-10-26.

Conditions:
Niemann-Pick disease, type C1. Also called: NEUROVISCERAL STORAGE DISEASE WITH VERTICAL SUPRANUCLEAR OPHTHALMOPLEGIA; NIEMANN-PICK DISEASE WITH CHOLESTEROL ESTERIFICATION BLOCK; NIEMANN-PICK DISEASE WITHOUT SPHINGOMYELINASE DEFICIENCY; NIEMANN-PICK DISEASE, CHRONIC NEURONOPATHIC FORM; NIEMANN-PICK DISEASE, VARIANT TYPE C1. Identifiers: Orphanet 646, MedGen C3179455, MONDO:0009757, OMIM 257220.

Submissions (2):

Myriad Genetics, Inc.
Classification: Pathogenic for Niemann-Pick disease, type C1. Last evaluated: 2024-10-26. Review status: criteria provided, single submitter. Criteria: Myriad Autosomal Dominant, Autosomal Recessive and X-Linked Classification Criteria (2023). Collection method: clinical testing. Allele origin: unknown.
Comment: NM_000271.4(NPC1):c.1405_1409del5(L469Pfs*6) is expected to be pathogenic in the context of Niemann-Pick disease type C1. This variant is predicted to lead to an abnormal or absent protein product due to the creation of a premature termination codon in NPC1, a gene where loss-of-function variants are known to be pathogenic. Please note: this variant was assessed in the context of healthy population screening.

Labcorp Genetics (formerly Invitae), Labcorp
Classification: Pathogenic for Niemann-Pick disease, type C1. Last evaluated: 2024-07-24. Review status: criteria provided, single submitter. Criteria: Invitae Variant Classification Sherloc (09022015). Collection method: clinical testing. Allele origin: germline.
Comment: This sequence change creates a premature translational stop signal (p.Leu469Profs*6) in the NPC1 gene. It is expected to result in an absent or disrupted protein product. Loss-of-function variants in NPC1 are known to be pathogenic (PMID: 9211850). This variant is not present in population databases (gnomAD no frequency). This variant has not been reported in the literature in individuals affected with NPC1-related conditions. For these reasons, this variant has been classified as Pathogenic.

Literature cited by the submitters: PubMed 9211850 (cited by Labcorp Genetics (formerly Invitae), Labcorp).

NM_000271.5(NPC1):c.1405_1409del (p.Leu469fs)

Gene: NPC1 (NPC intracellular cholesterol transporter 1; minus strand). Cytogenetic location: 18q11.2.
Variant type: Deletion.
Coding change: c.1405_1409del on transcript NM_000271.5 (MANE Select); coding-DNA positions 1405 to 1409, 5 bases deleted (TTGGC; older notation c.1405_1409delTTGGC).
Protein change: p.Leu469fs; shifts the reading frame from leucine 469.
Molecular consequence: frameshift variant.
Genome position (GRCh38, 1-based): chr18:23,554,902-23,554,906, GCCAA deleted on the plus strand (TTGGC on the coding strand, the reverse complement: NPC1 is on the minus strand); deleting any 5 consecutive bases within chr18:23,554,902-23,554,908 gives the same sequence; the c. name uses the placement nearest the transcript's 3' end. VCF-style (leftmost placement, unchanged base first): chr18-23554901-GGCCAA-G. GRCh37 (hg19) VCF-style: chr18-21134865-GGCCAA-G.
Other names: short protein forms L469fs.
Identifiers: ClinVar variation 3660531 (VCV003660531.3).